The following is an entry in ClinVar:

NM_022114.4(PRDM16):c.3106C>T (p.Pro1036Ser)

Gene: PRDM16 (PR/SET domain 16; plus strand). Cytogenetic location: 1p36.32.
Variant type: single nucleotide variant.
Coding change: c.3106C>T on transcript NM_022114.4 (MANE Select); coding-DNA position 3106, C replaced by T.
Protein change: p.Pro1036Ser; replaces proline 1036 with serine.
Molecular consequence: missense variant.
Genome position (GRCh38, 1-based): chr1:3,425,747, C>T. VCF-style: chr1-3425747-C-T. GRCh37 (hg19) VCF-style: chr1-3342311-C-T.
Other names: c.3106C>T, p.Pro1036Ser (NM_199454.3); short protein forms P1036S.
Identifiers: ClinVar variation 451472 (VCV000451472.13), dbSNP rs375442968, ClinGen allele CA544707.

ClinVar aggregate classification (germline): Conflicting classifications of pathogenicity. Review status: criteria provided, conflicting classifications (1 of 4 stars). 3 submissions from 3 submitters: Uncertain significance (2); Likely benign (1). Last evaluated 2025-07-14.

Conditions:
Left ventricular noncompaction 8 (LVNC8). Identifiers: Orphanet 154, Orphanet 54260, MedGen C3809288, MONDO:0014152, OMIM 615373.

Allele frequency attached by ClinVar (database versions not stated): gnomAD 0.00004 and 0.00005; ESP Exome Variant Server 0.00008; TOPMed 0.00008.
gnomAD v4.1: 94 of 1,613,350 alleles (0.0058%); highest among the groups gnomAD compares: Middle Eastern, 0.099%; no homozygotes.

Submissions (3):

Labcorp Genetics (formerly Invitae), Labcorp
Classification: Uncertain significance for Left ventricular noncompaction 8. Last evaluated: 2025-07-14. Review status: criteria provided, single submitter. Criteria: Invitae Variant Classification Sherloc (09022015). Collection method: clinical testing. Allele origin: germline.
Comment: This sequence change replaces proline, which is neutral and non-polar, with serine, which is neutral and polar, at codon 1036 of the PRDM16 protein (p.Pro1036Ser). This variant is present in population databases (rs375442968, gnomAD 0.02%). This missense change has been observed in individual(s) with clinical features of dilated cardiomyopathy (PMID: 31983221). ClinVar contains an entry for this variant (Variation ID: 451472). An algorithm developed to predict the effect of missense changes on protein structure and function (PolyPhen-2) suggests that this variant is likely to be tolerated. In summary, the available evidence is currently insufficient to determine the role of this variant in disease. Therefore, it has been classified as a Variant of Uncertain Significance.

Blueprint Genetics
Classification: Likely benign. Last evaluated: 2024-06-13. Review status: criteria provided, single submitter. Criteria: ACMG Guidelines, 2015. Collection method: clinical testing. Allele origin: germline.

GeneDx
Classification: Uncertain significance. Last evaluated: 2022-05-13. Review status: criteria provided, single submitter. Criteria: GeneDx Variant Classification Process June 2021. Collection method: clinical testing. Allele origin: germline. Affected: yes.
Comment: In silico analysis supports that this missense variant does not alter protein structure/function; Identified in an individual with DCM; however, additional patient-specific data were not described (Mazzarotto et al., 2020); This variant is associated with the following publications: (PMID: 31983221)

Literature cited by the submitters: PubMed 31983221 (cited by Labcorp Genetics (formerly Invitae), Labcorp).